The following is an entry in ClinVar:

NM_001148.6(ANK2):c.8006A>T (p.Glu2669Val)

Gene: ANK2 (ankyrin 2; plus strand). Cytogenetic location: 4q26.
Variant type: single nucleotide variant.
Coding change: c.8006A>T on transcript NM_001148.6 (MANE Select); coding-DNA position 8006, A replaced by T.
Protein change: p.Glu2669Val; replaces glutamic acid 2669 with valine.
Molecular consequence: missense variant. On other transcripts: intron variant (68).
Genome position (GRCh38, 1-based): chr4:113,356,624, A>T. VCF-style: chr4-113356624-A-T. GRCh37 (hg19) VCF-style: chr4-114277780-A-T.
Other names: c.8006A>T (NM_001148.5); c.4208-4199A>T (NM_001386153.1, NM_001386146.1, NM_001386150.1 and 1 more transcripts); c.4193-4199A>T (NM_001354274.2, NM_001386154.1); c.4142-4199A>T (NM_001386151.1, NM_001354260.2, NM_001354271.2); c.4043-4199A>T (NM_001386157.1, NM_001354277.2); c.4361-4199A>T (NM_001386161.1, NM_001354244.2, NM_001354256.2); c.4286-4199A>T (NM_001354261.2); c.4166-4199A>T (NM_001386156.1, NM_001354257.2); and 36 more; short protein forms E2669V, E1469V, E2591V, E2708V, E2716V.
Identifiers: ClinVar variation 845959 (VCV000845959.10), dbSNP rs773643165, ClinGen allele CA3051697.
Genomic context (GRCh38, chr4:113,356,624, plus strand): 5'-TCCCTGTGTTAGTAACTTCGGAGAGCAGGAAGGTGTCTTCCTCCTCAGAAAGTGAACCTG[A>T]GTTGGCACAGCTTAAAAAAGGTGCTGACTCAGGCCTTTTACCAGAACCAGTGATTCGAGT-3'
Protein context (NP_001139.3, residues 2659-2679): KVSSSSESEP[Glu2669Val]LAQLKKGADS

ClinVar aggregate classification (germline): Uncertain significance. Review status: criteria provided, multiple submitters, no conflicts (2 of 4 stars). 5 submissions from 5 submitters: Uncertain significance (5). Last evaluated 2025-04-09.

Conditions:
Cardiac arrhythmia, ankyrin-B-related. Also called: ANKYRIN-B SYNDROME. Identifiers: Orphanet 101016, Orphanet 768, MedGen C1970119, MONDO:0010958, OMIM 600919.
Cardiovascular phenotype. Identifiers: MedGen CN230736.
Long QT syndrome (LQTS). Identifiers: MedGen C0023976, MeSH D008133, MONDO:0002442. Disease mechanism: loss of function. Inheritance: Various modes of inheritance.

Allele frequency attached by ClinVar (database versions not stated): gnomAD exomes below 0.00001 and 0.00001; ExAC 0.00001.
gnomAD v4.1: 7 of 1,614,092 alleles (0.00043%); highest among the groups gnomAD compares: Non-Finnish European, 0.00059%; no homozygotes.

Submissions (5):

Molecular Diagnostic Laboratory for Inherited Cardiovascular Disease, Montreal Heart Institute
Classification: Uncertain significance for Cardiovascular phenotype. Last evaluated: 2025-04-09. Review status: criteria provided, single submitter. Criteria: ACMG Guidelines, 2015. Collection method: clinical testing. Allele origin: germline. Affected: yes.

Ambry Genetics
Classification: Uncertain significance for Cardiovascular phenotype. Last evaluated: 2025-03-23. Review status: criteria provided, single submitter. Criteria: Ambry Variant Classification Scheme 2023. Collection method: clinical testing. Allele origin: germline.
Comment: The p.E2669V variant (also known as c.8006A>T), located in coding exon 38 of the ANK2 gene, results from an A to T substitution at nucleotide position 8006. The glutamic acid at codon 2669 is replaced by valine, an amino acid with dissimilar properties. This amino acid position is conserved. In addition, the in silico prediction for this alteration is inconclusive. Based on the available evidence, the clinical significance of this variant remains unclear.

Blueprint Genetics
Classification: Uncertain significance. Last evaluated: 2024-03-12. Review status: criteria provided, single submitter. Criteria: ACMG Guidelines, 2015. Collection method: clinical testing. Allele origin: germline.

Labcorp Genetics (formerly Invitae), Labcorp
Classification: Uncertain significance for Long QT syndrome. Last evaluated: 2022-11-08. Review status: criteria provided, single submitter. Criteria: Invitae Variant Classification Sherloc (09022015). Collection method: clinical testing. Allele origin: germline.
Comment: ClinVar contains an entry for this variant (Variation ID: 845959). This sequence change replaces glutamic acid, which is acidic and polar, with valine, which is neutral and non-polar, at codon 2669 of the ANK2 protein (p.Glu2669Val). This variant is present in population databases (rs773643165, gnomAD 0.002%). This variant has not been reported in the literature in individuals affected with ANK2-related conditions. Algorithms developed to predict the effect of missense changes on protein structure and function are either unavailable or do not agree on the potential impact of this missense change (SIFT: "Deleterious"; PolyPhen-2: "Probably Damaging"; Align-GVGD: "Class C0"). In summary, the available evidence is currently insufficient to determine the role of this variant in disease. Therefore, it has been classified as a Variant of Uncertain Significance.

Fulgent Genetics
Classification: Uncertain significance for Cardiac arrhythmia, ankyrin-B-related. Last evaluated: 2021-11-04. Review status: criteria provided, single submitter. Criteria: ACMG Guidelines, 2015. Collection method: clinical testing. Allele origin: unknown.